The following is an entry in ClinVar:

ClinVar aggregate classification (germline): Uncertain significance (1 of 4 stars; one submission).

Conditions:
Tumor predisposition syndrome 3 (TPDS3). Also called: Glioma susceptibility 9; Melanoma, cutaneous malignant, susceptibility to, 10; LONG TELOMERE SYNDROME, POT1-RELATED; POT1 Tumor Predisposition. Identifiers: Orphanet 618, MedGen C4014476, MONDO:0014368, OMIM 615848.

Submission:

Labcorp Genetics (formerly Invitae), Labcorp
Classification: Uncertain significance for Tumor predisposition syndrome 3. Last evaluated: 2023-10-18. Review status: criteria provided, single submitter. Criteria: Invitae Variant Classification Sherloc (09022015). Collection method: clinical testing. Allele origin: germline.
Comment: This sequence change replaces threonine, which is neutral and polar, with serine, which is neutral and polar, at codon 246 of the POT1 protein (p.Thr246Ser). This variant is not present in population databases (gnomAD no frequency). This variant has not been reported in the literature in individuals affected with POT1-related conditions. Advanced modeling of protein sequence and biophysical properties (such as structural, functional, and spatial information, amino acid conservation, physicochemical variation, residue mobility, and thermodynamic stability) performed at Invitae indicates that this missense variant is not expected to disrupt POT1 protein function. In summary, the available evidence is currently insufficient to determine the role of this variant in disease. Therefore, it has been classified as a Variant of Uncertain Significance.

NM_015450.3(POT1):c.737C>G (p.Thr246Ser)

Gene: POT1 (protection of telomeres 1; minus strand). Cytogenetic location: 7q31.33.
Variant type: single nucleotide variant.
Coding change: c.737C>G on transcript NM_015450.3 (MANE Select); coding-DNA position 737, C replaced by G.
Protein change: p.Thr246Ser; replaces threonine 246 with serine.
Molecular consequence: missense variant. On other transcripts: non-coding transcript variant (3).
Genome position (GRCh38, 1-based): chr7:124,853,104, G>C on the plus strand (C>G on the coding strand, the complement: POT1 is on the minus strand). VCF-style: chr7-124853104-G-C. GRCh37 (hg19) VCF-style: chr7-124493158-G-C.
Other names: c.344C>G, p.Thr115Ser (NM_001042594.2); short protein forms T115S, T246S.
Identifiers: ClinVar variation 2765274 (VCV002765274.3), dbSNP rs2116505144, ClinGen allele CA369055672.